The following is an entry in ClinVar:

NM_133259.4(LRPPRC):c.151G>C (p.Gly51Arg)

Gene: LRPPRC (leucine rich pentatricopeptide repeat containing; minus strand). Cytogenetic location: 2p21.
Variant type: single nucleotide variant.
Coding change: c.151G>C on transcript NM_133259.4 (MANE Select); coding-DNA position 151, G replaced by C.
Protein change: p.Gly51Arg; replaces glycine 51 with arginine.
Molecular consequence: missense variant.
Genome position (GRCh38, 1-based): chr2:43,982,433, C>G on the plus strand (G>C on the coding strand, the complement: LRPPRC is on the minus strand). VCF-style: chr2-43982433-C-G. GRCh37 (hg19) VCF-style: chr2-44209572-C-G.
Other names: p.G51R:GGA>CGA; short protein forms G51R.
Identifiers: ClinVar variation 214580 (VCV000214580.7), dbSNP rs199606252, ClinGen allele CA325138.

ClinVar aggregate classification (germline): Conflicting classifications of pathogenicity. Review status: criteria provided, conflicting classifications (1 of 4 stars). 3 submissions from 3 submitters: Uncertain significance (2); Likely benign (1). Last evaluated 2025-04-04.

Conditions:
Inborn genetic diseases. Identifiers: MedGen C0950123, MeSH D030342.

Allele frequency attached by ClinVar (database versions not stated): ExAC 0.00015; gnomAD exomes 0.00017; ESP Exome Variant Server 0.00023; TOPMed 0.00026; gnomAD 0.00028 and 0.00029.
gnomAD v4.1: 452 of 1,610,260 alleles (0.028%); highest among the groups gnomAD compares: Non-Finnish European, 0.037%; no homozygotes.

Submissions (3):

GeneDx
Classification: Uncertain significance. Last evaluated: 2025-04-04. Review status: criteria provided, single submitter. Criteria: GeneDx Variant Classification Process June 2021. Collection method: clinical testing. Allele origin: germline. Affected: yes.
Comment: In silico analysis indicates that this missense variant does not alter protein structure/function; Has not been previously published as pathogenic or benign to our knowledge

Labcorp Genetics (formerly Invitae), Labcorp
Classification: Uncertain significance. Last evaluated: 2022-09-01. Review status: criteria provided, single submitter. Criteria: Invitae Variant Classification Sherloc (09022015). Collection method: clinical testing. Allele origin: germline.
Comment: This sequence change replaces glycine, which is neutral and non-polar, with arginine, which is basic and polar, at codon 51 of the LRPPRC protein (p.Gly51Arg). This variant is present in population databases (rs199606252, gnomAD 0.04%). This variant has not been reported in the literature in individuals affected with LRPPRC-related conditions. ClinVar contains an entry for this variant (Variation ID: 214580). Algorithms developed to predict the effect of missense changes on protein structure and function (SIFT, PolyPhen-2, Align-GVGD) all suggest that this variant is likely to be tolerated. In summary, the available evidence is currently insufficient to determine the role of this variant in disease. Therefore, it has been classified as a Variant of Uncertain Significance.

Ambry Genetics
Classification: Likely benign for Inborn genetic diseases. Last evaluated: 2022-06-10. Review status: criteria provided, single submitter. Criteria: Ambry Variant Classification Scheme 2023. Collection method: clinical testing. Allele origin: germline.